The following is an entry in ClinVar:

ClinVar aggregate classification (germline): Uncertain significance (1 of 4 stars; one submission).

Conditions:
Holoprosencephaly 3 (HPE3). Identifiers: Orphanet 2162, MedGen C1840529, MONDO:0007733, OMIM 142945.

Allele frequency attached by ClinVar (database versions not stated): TOPMed below 0.00001.

Submission:

Labcorp Genetics (formerly Invitae), Labcorp
Classification: Uncertain significance for Holoprosencephaly 3. Last evaluated: 2024-04-22. Review status: criteria provided, single submitter. Criteria: Invitae Variant Classification Sherloc (09022015). Collection method: clinical testing. Allele origin: germline.
Comment: This sequence change replaces glutamic acid, which is acidic and polar, with glutamine, which is neutral and polar, at codon 71 of the SHH protein (p.Glu71Gln). This variant is not present in population databases (gnomAD no frequency). This variant has not been reported in the literature in individuals affected with SHH-related conditions. ClinVar contains an entry for this variant (Variation ID: 1719267). Advanced modeling of protein sequence and biophysical properties (such as structural, functional, and spatial information, amino acid conservation, physicochemical variation, residue mobility, and thermodynamic stability) performed at Invitae indicates that this missense variant is not expected to disrupt SHH protein function with a negative predictive value of 80%. In summary, the available evidence is currently insufficient to determine the role of this variant in disease. Therefore, it has been classified as a Variant of Uncertain Significance.

NM_000193.4(SHH):c.211G>C (p.Glu71Gln)

Gene: SHH (sonic hedgehog signaling molecule; minus strand). Cytogenetic location: 7q36.3.
Variant type: single nucleotide variant.
Coding change: c.211G>C on transcript NM_000193.4 (MANE Select); coding-DNA position 211, G replaced by C.
Protein change: p.Glu71Gln; replaces glutamic acid 71 with glutamine.
Molecular consequence: missense variant.
Genome position (GRCh38, 1-based): chr7:155,811,912, C>G on the plus strand (G>C on the coding strand, the complement: SHH is on the minus strand). VCF-style: chr7-155811912-C-G. GRCh37 (hg19) VCF-style: chr7-155604606-C-G.
Other names: short protein forms E71Q.
Identifiers: ClinVar variation 1719267 (VCV001719267.5), dbSNP rs1803531788, ClinGen allele CA370151497.